The following is an entry in ClinVar:

NM_001927.4(DES):c.717_725del (p.Lys240_Val242del)

Gene: DES (desmin; plus strand). Cytogenetic location: 2q35.
Variant type: Deletion.
Coding change: c.717_725del on transcript NM_001927.4 (MANE Select); coding-DNA positions 717 to 725, 9 bases deleted (TAAGAAAGT; older notation c.717_725delTAAGAAAGT).
Protein change: p.Lys240_Val242del.
Molecular consequence: inframe deletion. On other transcripts: intron variant (1).
Genome position (GRCh38, 1-based): chr2:219,420,328-219,420,336, TAAGAAAGT deleted; deleting any 9 consecutive bases within chr2:219,420,327-219,420,336 gives the same sequence; the c. name uses the placement nearest the transcript's 3' end. VCF-style (leftmost placement, unchanged base first): chr2-219420326-CTTAAGAAAG-C. GRCh37 (hg19) VCF-style: chr2-220285048-CTTAAGAAAG-C.
Other names: c.714_722del, p.Lys239_Val241del (NM_001382708.1); c.717_725del, p.Lys240_Val242del (NM_001382709.1, NM_001382710.1, NM_001382711.1 and 1 more transcripts); c.496-197_496-189del (NM_001382713.1).
Identifiers: ClinVar variation 2945686 (VCV002945686.3), dbSNP rs2545251534, ClinGen allele CA2740096474.

ClinVar aggregate classification (germline): Uncertain significance (1 of 4 stars; one submission).

Conditions:
Desmin-related myofibrillar myopathy (MFM1). Also called: MYOFIBRILLAR MYOPATHY WITH ARRHYTHMOGENIC RIGHT VENTRICULAR CARDIOMYOPATHY; DESMIN-RELATED MYOPATHY WITH ARRHYTHMOGENIC RIGHT VENTRICULAR CARDIOMYOPATHY; Desminopathy; Desmin related myopathy (former name); Desmin storage myopathy (former name); Myofibrillar myopathy 1. Identifiers: Orphanet 363543, Orphanet 98909, MedGen C1832370, MONDO:0011076, OMIM 601419.

Submission:

Labcorp Genetics (formerly Invitae), Labcorp
Classification: Uncertain significance for Desmin-related myofibrillar myopathy. Last evaluated: 2023-10-09. Review status: criteria provided, single submitter. Criteria: Invitae Variant Classification Sherloc (09022015). Collection method: clinical testing. Allele origin: germline.
Comment: This variant, c.717_725del, results in the deletion of 3 amino acid(s) of the DES protein (p.Lys240_Val242del), but otherwise preserves the integrity of the reading frame. This variant is not present in population databases (gnomAD no frequency). This variant has not been reported in the literature in individuals affected with DES-related conditions. Experimental studies and prediction algorithms are not available or were not evaluated, and the functional significance of this variant is currently unknown. In summary, the available evidence is currently insufficient to determine the role of this variant in disease. Therefore, it has been classified as a Variant of Uncertain Significance.